The following is an entry in ClinVar:

ClinVar aggregate classification (germline): Benign/Likely benign. Review status: criteria provided, multiple submitters, no conflicts (2 of 4 stars). 4 submissions from 4 submitters: Benign (1); Likely benign (3). Last evaluated 2025-11-10.

Conditions:
Hereditary cancer-predisposing syndrome. Also called: Neoplastic Syndromes, Hereditary; Tumor predisposition; Hereditary neoplastic syndrome; Hereditary Cancer Syndrome. Identifiers: Orphanet 140162, MedGen C0027672, MeSH D009386, MONDO:0015356.
Familial cancer of breast. Also called: BREAST CANCER, FAMILIAL; Hereditary breast cancer; hereditary breast carcinoma. Identifiers: Orphanet 227535, MedGen C0346153, MONDO:0016419, OMIM 114480. Disease mechanism: loss of function.

Allele frequency attached by ClinVar (database versions not stated): gnomAD exomes below 0.00001.
gnomAD v4.1: 1 of 1,614,008 alleles (0.000062%); highest among the groups gnomAD compares: Admixed American, 0.0017%; no homozygotes.

Submissions (4):

Labcorp Genetics (formerly Invitae), Labcorp
Classification: Likely benign for Familial cancer of breast. Last evaluated: 2025-11-10. Review status: criteria provided, single submitter. Criteria: Invitae Variant Classification Sherloc (09022015). Collection method: clinical testing. Allele origin: germline.

Myriad Genetics, Inc.
Classification: Benign for Familial cancer of breast. Last evaluated: 2025-01-09. Review status: criteria provided, single submitter. Criteria: Myriad Autosomal Dominant, Autosomal Recessive and X-Linked Classification Criteria (2023). Collection method: clinical testing. Allele origin: unknown.
Comment: This variant is considered benign. This variant is a silent/synonymous amino acid change and it is not expected to impact splicing.

Color Diagnostics, LLC DBA Color Health
Classification: Likely benign for Hereditary cancer-predisposing syndrome. Last evaluated: 2024-10-28. Review status: criteria provided, single submitter. Criteria: ACMG Guidelines, 2015. Collection method: clinical testing. Allele origin: germline.

Ambry Genetics
Classification: Likely benign for Hereditary cancer-predisposing syndrome. Last evaluated: 2019-04-09. Review status: criteria provided, single submitter. Criteria: Ambry Variant Classification Scheme 2023. Collection method: clinical testing. Allele origin: germline.

NM_024675.4(PALB2):c.60A>G (p.Lys20=)

Gene: PALB2 (partner and localizer of BRCA2; minus strand). Cytogenetic location: 16p12.2.
Variant type: single nucleotide variant.
Coding change: c.60A>G on transcript NM_024675.4 (MANE Select); coding-DNA position 60, A replaced by G.
Protein change: p.Lys20=; no amino-acid change (lysine 20 retained).
Molecular consequence: synonymous variant.
Genome position (GRCh38, 1-based): chr16:23,638,118, T>C on the plus strand (A>G on the coding strand, the complement: PALB2 is on the minus strand). VCF-style: chr16-23638118-T-C. GRCh37 (hg19) VCF-style: chr16-23649439-T-C.
Identifiers: ClinVar variation 826186 (VCV000826186.16), dbSNP rs1196162944, ClinGen allele CA494168085.